The following is an entry in ClinVar:

ClinVar aggregate classification (germline): Uncertain significance. Review status: criteria provided, multiple submitters, no conflicts (2 of 4 stars). 2 submissions from 2 submitters: Uncertain significance (2). Last evaluated 2023-01-16.

Allele frequency attached by ClinVar (database versions not stated): ESP Exome Variant Server 0.00008; ExAC 0.00014; 1000 Genomes Project 0.00020; 1000 Genomes Project 30x 0.00031.
gnomAD v4.1: 56 of 1,552,070 alleles (0.0036%); highest among the groups gnomAD compares: Admixed American, 0.0098%; no homozygotes.

Submissions (2):

Blueprint Genetics
Classification: Uncertain significance. Last evaluated: 2023-01-16. Review status: criteria provided, single submitter. Criteria: ACMG Guidelines, 2015. Collection method: clinical testing. Allele origin: germline.

Labcorp Genetics (formerly Invitae), Labcorp
Classification: Uncertain significance. Last evaluated: 2022-03-12. Review status: criteria provided, single submitter. Criteria: Invitae Variant Classification Sherloc (09022015). Collection method: clinical testing. Allele origin: germline.
Comment: This sequence change replaces glycine, which is neutral and non-polar, with serine, which is neutral and polar, at codon 1547 of the HSPG2 protein (p.Gly1547Ser). This variant is present in population databases (rs371145826, gnomAD 0.01%). This variant has not been reported in the literature in individuals affected with HSPG2-related conditions. Algorithms developed to predict the effect of missense changes on protein structure and function are either unavailable or do not agree on the potential impact of this missense change (SIFT: "Deleterious"; PolyPhen-2: "Probably Damaging"; Align-GVGD: "Class C0"). In summary, the available evidence is currently insufficient to determine the role of this variant in disease. Therefore, it has been classified as a Variant of Uncertain Significance.

NM_005529.7(HSPG2):c.4639G>A (p.Gly1547Ser)

Gene: HSPG2 (heparan sulfate proteoglycan 2; minus strand). Cytogenetic location: 1p36.12.
Variant type: single nucleotide variant.
Coding change: c.4639G>A on transcript NM_005529.7 (MANE Select); coding-DNA position 4639, G replaced by A.
Protein change: p.Gly1547Ser; replaces glycine 1547 with serine.
Molecular consequence: missense variant.
Genome position (GRCh38, 1-based): chr1:21,864,201, C>T on the plus strand (G>A on the coding strand, the complement: HSPG2 is on the minus strand). VCF-style: chr1-21864201-C-T. GRCh37 (hg19) VCF-style: chr1-22190694-C-T.
Other names: c.4642G>A, p.Gly1548Ser (NM_001291860.2); short protein forms G1547S, G1548S.
Identifiers: ClinVar variation 2415713 (VCV002415713.4), dbSNP rs371145826, ClinGen allele CA672199.
Genomic context (GRCh38, chr1:21,864,201, plus strand): 5'-CATTGCATTCACATAGCTCGCAGTGGCCGAGGTAGAGCCCACTCCCGGTGCGCGTGTAGC[C>T]GGGGGCACAGTCCTAGGGGCAGAGAGGAAGGTTGGCCTCTGTTCCCAACGTGCCCCACCC-3'
Protein context (NP_005520.4, residues 1537-1557): IGLSCQDCAP[Gly1547Ser]YTRTGSGLYL